The following is an entry in ClinVar:

ClinVar aggregate classification (germline): Uncertain significance (1 of 4 stars; one submission).

gnomAD v4.1: 3 of 1,612,602 alleles (0.00019%); highest among the groups gnomAD compares: Non-Finnish European, 0.00025%; no homozygotes.

Submission:

Labcorp Genetics (formerly Invitae), Labcorp
Classification: Uncertain significance. Last evaluated: 2021-11-04. Review status: criteria provided, single submitter. Criteria: Invitae Variant Classification Sherloc (09022015). Collection method: clinical testing. Allele origin: germline.
Comment: This variant has not been reported in the literature in individuals affected with NFKB1-related conditions. This sequence change replaces alanine, which is neutral and non-polar, with serine, which is neutral and polar, at codon 73 of the NFKB1 protein (p.Ala73Ser). This variant is not present in population databases (gnomAD no frequency). In summary, the available evidence is currently insufficient to determine the role of this variant in disease. Therefore, it has been classified as a Variant of Uncertain Significance. Algorithms developed to predict the effect of missense changes on protein structure and function are either unavailable or do not agree on the potential impact of this missense change (SIFT: "Tolerated"; PolyPhen-2: "Possibly Damaging"; Align-GVGD: "Class C15").

NM_003998.4(NFKB1):c.217G>T (p.Ala73Ser)

Gene: NFKB1 (nuclear factor kappa B subunit 1; plus strand). Cytogenetic location: 4q24.
Variant type: single nucleotide variant.
Coding change: c.217G>T on transcript NM_003998.4 (MANE Select); coding-DNA position 217, G replaced by T.
Protein change: p.Ala73Ser; replaces alanine 73 with serine.
Molecular consequence: missense variant.
Genome position (GRCh38, 1-based): chr4:102,537,915, G>T. VCF-style: chr4-102537915-G-T. GRCh37 (hg19) VCF-style: chr4-103459072-G-T.
Other names: c.214G>T, p.Ala72Ser (NM_001165412.2, NM_001319226.2, NM_001382627.1); c.217G>T, p.Ala73Ser (NM_001382625.1, NM_001382626.1); c.175G>T, p.Ala59Ser (NM_001382628.1); short protein forms A72S, A59S, A73S.
Identifiers: ClinVar variation 1435487 (VCV001435487.6), dbSNP rs2149127937, ClinGen allele CA357957725.